The following is an entry in ClinVar:

NM_000038.6(APC):c.532-14_532-12del

Gene: APC (APC regulator of Wnt signaling pathway; plus strand). Cytogenetic location: 5q22.2.
Variant type: Microsatellite.
Coding change: c.532-14_532-12del on transcript NM_000038.6 (MANE Select); 14 bases into the intron before coding-DNA position 532 through 12 bases into the intron before coding-DNA position 532, 3 bases deleted (ATT; older notation c.532-14_532-12delATT).
Molecular consequence: intron variant.
Genome position (GRCh38, 1-based): chr5:112,780,776-112,780,778, ATT deleted; deleting any 3 consecutive bases within chr5:112,780,771-112,780,778 gives the same sequence; the c. name uses the placement nearest the transcript's 3' end. VCF-style (leftmost placement, unchanged base first): chr5-112780770-TTTA-T. GRCh37 (hg19) VCF-style: chr5-112116467-TTTA-T.
Other names: c.532-14_532-12delATT (NM_000038.5); c.532-14_532-12del (NM_001354895.2, NM_001127510.3, NM_001354896.2 and 2 more transcripts); c.562-14_562-12del (NM_001354897.2, NM_001354902.2, NM_001127511.3); c.457-14_457-12del (NM_001354898.2, NM_001354904.2); c.-504-14_-504-12del (NM_001354906.2); c.355-14_355-12del (NM_001354900.2, NM_001354901.2, NM_001354905.2).
Identifiers: ClinVar variation 433605 (VCV000433605.55), dbSNP rs765893314, ClinGen allele CA041434.
Genomic context (GRCh38, chr5:112,780,770, plus strand): 5'-TGGTTCTTATATGCTTTTTTGCTTTTACTGATTAACGTAAATACAAGATATTGATACTTT[TTTA>T]TTATTTGTGGTTTTAGTTTTCCTTACAAACAGATATGACCAGAAGGCAATTGGAATATGA-3'

ClinVar aggregate classification (germline): Likely benign. Review status: criteria provided, multiple submitters, no conflicts (2 of 4 stars). 5 submissions from 5 submitters: Likely benign (4). 1 of the submissions does not count toward it. Last evaluated 2025-10-08.

Conditions:
Familial adenomatous polyposis 1 (FAP1). Also called: POLYPOSIS, ADENOMATOUS INTESTINAL; FAMILIAL ADENOMATOUS POLYPOSIS 1, ATTENUATED. Identifiers: MedGen C2713442, MONDO:0021056, OMIM 175100. Disease mechanism: loss of function.
Hereditary cancer-predisposing syndrome. Also called: Hereditary Cancer Syndrome; Hereditary neoplastic syndrome; Neoplastic Syndromes, Hereditary; Tumor predisposition. Identifiers: Orphanet 140162, MedGen C0027672, MeSH D009386, MONDO:0015356.

Submissions (5):

Labcorp Genetics (formerly Invitae), Labcorp
Classification: Likely benign for Familial adenomatous polyposis 1. Last evaluated: 2025-10-08. Review status: criteria provided, single submitter. Criteria: Invitae Variant Classification Sherloc (09022015). Collection method: clinical testing. Allele origin: germline.

Myriad Genetics, Inc.
Classification: Likely benign for Familial adenomatous polyposis 1. Last evaluated: 2024-02-23. Review status: criteria provided, single submitter. Criteria: Myriad Autosomal Dominant, Autosomal Recessive and X-Linked Classification Criteria (2023). Collection method: clinical testing. Allele origin: unknown.
Comment: This variant is considered likely benign. This variant is intronic and is not expected to impact mRNA splicing.

GeneDx
Classification: Likely benign. Last evaluated: 2024-02-05. Review status: criteria provided, single submitter. Criteria: GeneDx Variant Classification Process June 2021. Collection method: clinical testing. Allele origin: germline. Affected: yes.
Comment: See Variant Classification Assertion Criteria.

Color Diagnostics, LLC DBA Color Health
Classification: Likely benign for Hereditary cancer-predisposing syndrome. Last evaluated: 2017-04-13. Review status: criteria provided, single submitter. Criteria: ACMG Guidelines, 2015. Collection method: clinical testing. Allele origin: germline.

Department of Pathology and Laboratory Medicine, Sinai Health System
Classification: Uncertain significance for Familial adenomatous polyposis 1. Review status: no assertion criteria provided. Collection method: clinical testing. Allele origin: unknown. Affected: yes. Observed: 1 variant allele. Study: The Canadian Open Genetics Repository (COGR). Not counted in ClinVar's aggregate classification.
Comment: The c.532-14_532-12del variant has not been previously reported in the literature nor was it identified in public databases. It is located in the 3' splice region but does not affect the invariant -1 and -2 positions. However, positions -3 and -5 to -12 are part of the splicing consensus sequence and this variant spans into the -12 position and variants involving these positions sometimes affect splicing. However, splicing prediction softwares (SpliceSiteFinder, MaxEntScan, NNSPLICE, GeneSplicer, HumanSpliceFinder) do not predict a difference in splicing, but this information is not predictive enough to rule out pathogenicity. Functional or segregation studies may be required to determine the clinical significance of this variant. In summary, based on the above information, the clinical significance of this variant cannot be determined with certainty at this time. This variant is classified as a variant of unknown significance.